The following is an entry in ClinVar:

NM_000094.4(COL7A1):c.6099C>T (p.Ala2033=)

Gene: COL7A1 (collagen type VII alpha 1 chain; minus strand). Cytogenetic location: 3p21.31.
Variant type: single nucleotide variant.
Coding change: c.6099C>T on transcript NM_000094.4 (MANE Select); coding-DNA position 6099, C replaced by T.
Protein change: p.Ala2033=; no amino-acid change (alanine 2033 retained).
Molecular consequence: synonymous variant.
Genome position (GRCh38, 1-based): chr3:48,575,420, G>A on the plus strand (C>T on the coding strand, the complement: COL7A1 is on the minus strand). VCF-style: chr3-48575420-G-A. GRCh37 (hg19) VCF-style: chr3-48612853-G-A.
Other names: c.6099C>T (NM_000094.3).
Identifiers: ClinVar variation 1160173 (VCV001160173.8), dbSNP rs201150671, ClinGen allele CA2379194.

ClinVar aggregate classification (germline): Likely benign. Review status: criteria provided, multiple submitters, no conflicts (2 of 4 stars). 2 submissions from 2 submitters: Likely benign (2). Last evaluated 2025-09-03.

Conditions:
COL7A1-related disorder. Also called: COL7A1- related disorders; COL7A1-related condition.

Allele frequency attached by ClinVar (database versions not stated): ExAC 0.00006; 1000 Genomes Project 0.00020; 1000 Genomes Project 30x 0.00031.
gnomAD v4.1: 62 of 1,609,602 alleles (0.0039%); highest among the groups gnomAD compares: Admixed American, 0.013%; no homozygotes.

Submissions (2):

Labcorp Genetics (formerly Invitae), Labcorp
Classification: Likely benign. Last evaluated: 2025-09-03. Review status: criteria provided, single submitter. Criteria: Invitae Variant Classification Sherloc (09022015). Collection method: clinical testing. Allele origin: germline.

PreventionGenetics, part of Exact Sciences
Classification: Likely benign for COL7A1-related condition. Last evaluated: 2025-08-04. Review status: criteria provided, single submitter. Criteria: ACMG Guidelines, 2015. Collection method: clinical testing. Allele origin: germline.
Comment: This variant is classified as likely benign based on ACMG/AMP sequence variant interpretation guidelines (Richards et al. 2015 PMID: 25741868, with internal and published modifications).